The following is an entry in ClinVar:

NM_152722.5(HEPACAM):c.526C>A (p.Pro176Thr)

Gene: HEPACAM (hepatic and glial cell adhesion molecule; minus strand). Cytogenetic location: 11q24.2.
Variant type: single nucleotide variant.
Coding change: c.526C>A on transcript NM_152722.5 (MANE Select); coding-DNA position 526, C replaced by A.
Protein change: p.Pro176Thr; replaces proline 176 with threonine.
Molecular consequence: missense variant.
Genome position (GRCh38, 1-based): chr11:124,923,912, G>T on the plus strand (C>A on the coding strand, the complement: HEPACAM is on the minus strand). VCF-style: chr11-124923912-G-T. GRCh37 (hg19) VCF-style: chr11-124793808-G-T.
Other names: c.526C>A, p.Pro176Thr (NM_001411043.1); short protein forms P176T.
Identifiers: ClinVar variation 2579840 (VCV002579840.1), dbSNP rs1947173383, ClinGen allele CA383141250.

ClinVar aggregate classification (germline): Uncertain significance (1 of 4 stars; one submission).

Submission:

GeneDx
Classification: Uncertain significance. Last evaluated: 2023-03-15. Review status: criteria provided, single submitter. Criteria: GeneDx Variant Classification Process June 2021. Collection method: clinical testing. Allele origin: germline. Affected: yes.
Comment: Not observed at significant frequency in large population cohorts (gnomAD); In silico analysis supports that this missense variant does not alter protein structure/function; Has not been previously published as pathogenic or benign to our knowledge